The following is an entry in ClinVar:

ClinVar aggregate classification (germline): Uncertain significance. Review status: criteria provided, multiple submitters, no conflicts (2 of 4 stars). 2 submissions from 2 submitters: Uncertain significance (2). Last evaluated 2024-05-22.

Submissions (2):

Labcorp Genetics (formerly Invitae), Labcorp
Classification: Uncertain significance. Last evaluated: 2024-05-22. Review status: criteria provided, single submitter. Criteria: Invitae Variant Classification Sherloc (09022015). Collection method: clinical testing. Allele origin: germline.
Comment: This sequence change creates a premature translational stop signal (p.Arg520Thrfs*26) in the SCN3A gene. It is expected to result in an absent or disrupted protein product. However, the current clinical and genetic evidence is not sufficient to establish whether loss-of-function variants in SCN3A cause disease. This variant is not present in population databases (gnomAD no frequency). This variant has not been reported in the literature in individuals affected with SCN3A-related conditions. ClinVar contains an entry for this variant (Variation ID: 945714). In summary, the available evidence is currently insufficient to determine the role of this variant in disease. Therefore, it has been classified as a Variant of Uncertain Significance.

GeneDx
Classification: Uncertain significance. Last evaluated: 2022-06-03. Review status: criteria provided, single submitter. Criteria: GeneDx Variant Classification Process June 2021. Collection method: clinical testing. Allele origin: germline. Affected: yes.
Comment: Not observed at significant frequency in large population cohorts (gnomAD); Frameshift variant predicted to result in protein truncation or nonsense mediated decay in a gene or region of a gene for which loss of function is not a well-established mechanism of disease; Has not been previously published as pathogenic or benign to our knowledge

NM_006922.4(SCN3A):c.1559_1562del (p.Arg520fs)

Gene: SCN3A (sodium voltage-gated channel alpha subunit 3; minus strand). Cytogenetic location: 2q24.3.
Variant type: Microsatellite.
Coding change: c.1559_1562del on transcript NM_006922.4 (MANE Select); coding-DNA positions 1559 to 1562, 4 bases deleted (GAGA; older notation c.1559_1562delGAGA).
Protein change: p.Arg520fs; shifts the reading frame from arginine 520.
Molecular consequence: frameshift variant.
Genome position (GRCh38, 1-based): chr2:165,146,848-165,146,851, TCTC deleted on the plus strand (GAGA on the coding strand, the reverse complement: SCN3A is on the minus strand); deleting any 4 consecutive bases within chr2:165,146,848-165,146,857 gives the same sequence; the c. name uses the placement nearest the transcript's 3' end. VCF-style (leftmost placement, unchanged base first): chr2-165146847-GTCTC-G. GRCh37 (hg19) VCF-style: chr2-166003357-GTCTC-G.
Other names: c.1559_1562del, p.Arg520fs (NM_001081676.2, NM_001081677.2); short protein forms R520fs.
Identifiers: ClinVar variation 945714 (VCV000945714.8), dbSNP rs1688374063, ClinGen allele CA1304459266.